The following is an entry in ClinVar:

NM_003924.4(PHOX2B):c.726_743dup (p.Ala255_Ala260dup)

Genes: PHOX2B (paired like homeobox 2B; minus strand), LOC110011216 (paired like homeobox 2b polyalanine repeat instability region; plus strand). Cytogenetic location: 4p13.
Variant type: Duplication.
Coding change: c.726_743dup on transcript NM_003924.4 (MANE Select); coding-DNA positions 726 to 743, 18 bases duplicated (AGCAGCGGCGGCGGCCGC).
Protein change: p.Ala255_Ala260dup.
Molecular consequence: inframe insertion.
Genome position (GRCh38, 1-based): chr4:41,746,009-41,746,026, GCGGCCGCCGCCGCTGCT duplicated on the plus strand (AGCAGCGGCGGCGGCCGC on the coding strand, the reverse complement: PHOX2B is on the minus strand); duplicating any 18 consecutive bases within chr4:41,746,009-41,746,028 gives the same sequence; the c. name uses the placement nearest the transcript's 3' end. VCF-style (leftmost placement, unchanged base first): chr4-41746008-C-CGCGGCCGCCGCCGCTGCT. GRCh37 (hg19) VCF-style: chr4-41748025-C-CGCGGCCGCCGCCGCTGCT.
Other names: c.726_743dupAGCAGCGGCGGCGGCCGC (NM_003924.3).
Identifiers: ClinVar variation 1323446 (VCV001323446.7), dbSNP rs1733881278, ClinGen allele CA2573052329.

ClinVar aggregate classification (germline): Pathogenic. Review status: criteria provided, multiple submitters, no conflicts (2 of 4 stars). 3 submissions from 3 submitters: Pathogenic (2). 1 of the submissions does not count toward it. Last evaluated 2020-09-03.

Conditions:
Hereditary cancer-predisposing syndrome. Also called: Tumor predisposition; Neoplastic Syndromes, Hereditary; Hereditary Cancer Syndrome; Hereditary neoplastic syndrome. Identifiers: Orphanet 140162, MedGen C0027672, MeSH D009386, MONDO:0015356.
PHOX2B-related disorder. Also called: PHOX2B-related condition.

Submissions (3):

Revvity Omics, Revvity
Classification: Pathogenic. Last evaluated: 2020-09-03. Review status: criteria provided, single submitter. Criteria: ACMG Guidelines, 2015. Collection method: clinical testing. Allele origin: germline.

Ambry Genetics
Classification: Pathogenic for Hereditary cancer-predisposing syndrome. Last evaluated: 2018-01-11. Review status: criteria provided, single submitter. Criteria: Ambry Variant Classification Scheme 2023. Collection method: clinical testing. Allele origin: germline.
Comment: The p.Ala241[26] pathogenic mutation, located in coding exon 3 of the PHOX2B gene, results from an expansion of the polyalanine repeat region from 20 to 26 repeats. This expansion mutation is associated with congenital central hypoventilation syndrome (Amiel J et al. Nat. Genet., 2003 Apr;33:459-61; Matera I et al. J. Med. Genet., 2004 May;41:373-80). Based on the supporting evidence, this alteration is interpreted as a disease-causing mutation.

PreventionGenetics, part of Exact Sciences
Classification: Pathogenic for PHOX2B-related condition. Last evaluated: 2024-08-22. Review status: no assertion criteria provided. Collection method: clinical testing. Allele origin: germline. Not counted in ClinVar's aggregate classification.
Comment: The PHOX2B c.726_743dup18 variant is predicted to result in an in-frame duplication (p.Ala255_Ala260dup). This duplication causes an expansion of the polyalanine repeat region from 20 repeats (normal) to 26 repeats (abnormal). An expansion of this size has previously been reported to be causative for CCHS (Serra et al. 2010. PubMed ID: 20456320). This variant has not been reported in a large population database, indicating this variant is rare. This variant is interpreted as pathogenic.

Literature cited by the submitters: PubMed 12640453 (cited by Ambry Genetics); PubMed 15121777 (cited by Ambry Genetics).